The following is an entry in ClinVar:

ClinVar aggregate classification (germline): Conflicting classifications of pathogenicity. Review status: criteria provided, conflicting classifications (1 of 4 stars). 2 submissions from 2 submitters: Likely pathogenic (1); Uncertain significance (1). Last evaluated 2022-10-13.

Conditions:
RGS9BP-related disorder. Also called: RGS9BP-related condition.

Allele frequency attached by ClinVar (database versions not stated): gnomAD exomes 0.00007 and 0.00011; ExAC 0.00008; TOPMed 0.00012; gnomAD 0.00015 and 0.00016.

Submissions (2):

Labcorp Genetics (formerly Invitae), Labcorp
Classification: Uncertain significance. Last evaluated: 2022-10-13. Review status: criteria provided, single submitter. Criteria: Invitae Variant Classification Sherloc (09022015). Collection method: clinical testing. Allele origin: germline.
Comment: This sequence change creates a premature translational stop signal (p.Thr16Argfs*10) in the RGS9BP gene. While this is not anticipated to result in nonsense mediated decay, it is expected to disrupt the last 220 amino acid(s) of the RGS9BP protein. This variant is present in population databases (rs765574929, gnomAD 0.02%). This variant has not been reported in the literature in individuals affected with RGS9BP-related conditions. ClinVar contains an entry for this variant (Variation ID: 947230). In summary, the available evidence is currently insufficient to determine the role of this variant in disease. Therefore, it has been classified as a Variant of Uncertain Significance.

Blueprint Genetics
Classification: Likely pathogenic for RGS9BP-related disorders. Last evaluated: 2021-12-17. Review status: criteria provided, single submitter. Criteria: ACMG Guidelines, 2015. Collection method: clinical testing. Allele origin: germline. Affected: yes. Observed: 5 variant alleles.

NM_207391.3(RGS9BP):c.47del (p.Thr16fs)

Gene: RGS9BP (regulator of G protein signaling 9 binding protein; plus strand). Cytogenetic location: 19q13.11.
Variant type: Deletion.
Coding change: c.47del on transcript NM_207391.3 (MANE Select); coding-DNA position 47, one base deleted (C; older notation c.47delC).
Protein change: p.Thr16fs; shifts the reading frame from threonine 16.
Molecular consequence: frameshift variant.
Genome position (GRCh38, 1-based): chr19:32,676,310, C deleted. VCF-style (leftmost placement, unchanged base first): chr19-32676309-AC-A. GRCh37 (hg19) VCF-style: chr19-33167215-AC-A.
Other names: short protein forms T16fs.
Identifiers: ClinVar variation 947230 (VCV000947230.6), dbSNP rs765574929, ClinGen allele CA9357489.